The following is an entry in ClinVar:

ClinVar aggregate classification (germline): Uncertain significance. Review status: criteria provided, multiple submitters, no conflicts (2 of 4 stars). 4 submissions from 4 submitters: Uncertain significance (4). Last evaluated 2024-03-20.

Conditions:
Inborn genetic diseases. Identifiers: MedGen C0950123, MeSH D030342.

Allele frequency attached by ClinVar (database versions not stated): TOPMed 0.00001; ExAC 0.00002; gnomAD exomes 0.00001.
gnomAD v4.1: 12 of 1,613,328 alleles (0.00074%); highest among the groups gnomAD compares: Admixed American, 0.005%; no homozygotes.

Submissions (4):

Ambry Genetics
Classification: Uncertain significance for Inborn genetic diseases. Last evaluated: 2024-03-20. Review status: criteria provided, single submitter. Criteria: Ambry Variant Classification Scheme 2023. Collection method: clinical testing. Allele origin: germline.
Comment: The p.A446G variant (also known as c.1337C>G), located in coding exon 4 of the SMPD1 gene, results from a C to G substitution at nucleotide position 1337. The alanine at codon 446 is replaced by glycine, an amino acid with similar properties. This amino acid position is conserved. In addition, this alteration is predicted to be tolerated by in silico analysis. Based on the available evidence, the clinical significance of this alteration remains unclear.

Mayo Clinic Laboratories, Mayo Clinic
Classification: Uncertain significance. Last evaluated: 2022-02-24. Review status: criteria provided, single submitter. Criteria: ACMG Guidelines, 2015. Collection method: clinical testing. Allele origin: germline. Observed: 1 variant allele.
Comment: BP4, PM2

GeneDx
Classification: Uncertain significance. Last evaluated: 2020-06-25. Review status: criteria provided, single submitter. Criteria: GeneDx Variant Classification Process June 2021. Collection method: clinical testing. Allele origin: germline. Affected: yes.
Comment: Not observed at a significant frequency in large population cohorts (Lek et al., 2016); Missense variants in this gene are often considered pathogenic (Stenson et al., 2014); In silico analysis supports that this missense variant does not alter protein structure/function; Has not been previously published as pathogenic or benign to our knowledge; Missense variants in nearby residues reported in the Human Gene Mutation Database (Stenson et al., 2014)

Eurofins Ntd Llc (ga)
Classification: Uncertain significance. Last evaluated: 2017-06-29. Review status: criteria provided, single submitter. Criteria: EGL Classification Definitions 2015. Collection method: clinical testing. Allele origin: germline. Observed: 1 variant allele, 1 heterozygote.

NM_000543.5(SMPD1):c.1337C>G (p.Ala446Gly)

Gene: SMPD1 (sphingomyelin phosphodiesterase 1; plus strand). Cytogenetic location: 11p15.4.
Variant type: single nucleotide variant.
Coding change: c.1337C>G on transcript NM_000543.5 (MANE Select); coding-DNA position 1337, C replaced by G.
Protein change: p.Ala446Gly; replaces alanine 446 with glycine.
Molecular consequence: missense variant. On other transcripts: non-coding transcript variant (2).
Genome position (GRCh38, 1-based): chr11:6,393,690, C>G. VCF-style: chr11-6393690-C-G. GRCh37 (hg19) VCF-style: chr11-6414920-C-G.
Other names: p.Ala446Gly; c.1334C>G, p.Ala445Gly (NM_001007593.3); c.1337C>G, p.Ala446Gly (NM_001318087.2); c.416C>G, p.Ala139Gly (NM_001318088.2); c.1205C>G, p.Ala402Gly (NM_001365135.2); short protein forms A446G, A402G, A445G, A139G.
Identifiers: ClinVar variation 502788 (VCV000502788.9), dbSNP rs559092380, ClinGen allele CA5852855.